The following is an entry in ClinVar:

NM_005120.3(MED12):c.6219G>A (p.Gln2073=)

Gene: MED12 (mediator complex subunit 12; plus strand). Cytogenetic location: Xq13.1.
Variant type: single nucleotide variant.
Coding change: c.6219G>A on transcript NM_005120.3 (MANE Select); coding-DNA position 6219, G replaced by A.
Protein change: p.Gln2073=; no amino-acid change (glutamine 2073 retained).
Molecular consequence: synonymous variant.
Genome position (GRCh38, 1-based): chrX:71,140,809, G>A. VCF-style: chrX-71140809-G-A. GRCh37 (hg19) VCF-style: chrX-70360659-G-A.
Identifiers: ClinVar variation 4821509 (VCV004821509.4).
Genomic context (GRCh38, chrX:71,140,809, plus strand): 5'-GCAGCAGCAACAGCAGCAACAGCAACAGCAGCAGCAGCAGCAACAGCAACAGCAGCAGCA[G>A]CAGCAGCAGTACCACATCCGGCAGCAGCAGCAGCAGCAGATCCTGCGGGTAAGGCACTGG-3'
Protein context (NP_005111.2, residues 2063-2083): QQQQQQQQQQ[Gln2073=]QQQYHIRQQQ

ClinVar aggregate classification (germline): Likely benign (1 of 4 stars; one submission).

Submission:

CeGaT Center for Human Genetics Tuebingen
Classification: Likely benign. Last evaluated: 2026-01-01. Review status: criteria provided, single submitter. Criteria: CeGaT Center For Human Genetics Tuebingen Variant Classification Criteria Version 2. Collection method: clinical testing. Allele origin: germline. Affected: yes. Observed: 1 variant allele.
Comment: MED12: PM2:Supporting, BP4, BP7